The following is an entry in ClinVar:

ClinVar aggregate classification (germline): Uncertain significance. Review status: criteria provided, multiple submitters, no conflicts (2 of 4 stars). 3 submissions from 3 submitters: Uncertain significance (3). Last evaluated 2026-01-11.

Conditions:
McCune-Albright syndrome (MAS). Also called: Albright's Syndrome; McCune-Albright syndrome, somatic, mosaic; Albright's disease; ALBRIGHT SYNDROME; Fibrous Dysplasia / McCune-Albright Syndrome. Identifiers: Orphanet 562, MedGen C0242292, MONDO:0018919, OMIM 174800.
Pseudohypoparathyroidism type 1B (PHP1B). Also called: PHP IB; Pseudohypoparathyroidism Type IB; Pseudohypoparathyroidism Ib (PHP-Ib). Identifiers: Orphanet 94089, MedGen C1864100, MONDO:0011301, OMIM 603233.
Pseudopseudohypoparathyroidism (PPHP). Also called: Pseudopseudohypoparathyroidism (PPHP); ALBRIGHT HEREDITARY OSTEODYSTROPHY WITHOUT MULTIPLE HORMONE RESISTANCE. Identifiers: Orphanet 79445, MedGen C0033835, MONDO:0012912, OMIM 612463.
ACTH-independent macronodular adrenal hyperplasia 1 (AIMAH1). Also called: ACTH-INDEPENDENT MACRONODULAR ADRENOCORTICAL HYPERPLASIA; ADRENOCORTICOTROPIC HORMONE-INDEPENDENT MACRONODULAR ADRENAL HYPERPLASIA; CUSHING SYNDROME, ADRENAL, DUE TO AIMAH; CORTICOTROPIN-INDEPENDENT MACRONODULAR ADRENAL HYPERPLASIA; ACTH-independent macronodular adrenal hyperplasia, somatic. Identifiers: MedGen C1857451, MONDO:0020735, OMIM 219080.
Pseudohypoparathyroidism type I A (PHP1A). Also called: Pseudohypoparathyroidism Type IA; ALBRIGHT HEREDITARY OSTEODYSTROPHY WITH MULTIPLE HORMONE RESISTANCE; PHP IA; Pseudohypoparathyroidism type 1A; Pseudohypoparathyroidism Ia (PHP-Ia). Identifiers: Orphanet 79443, MedGen C3494506, MONDO:0007078, OMIM 103580.
Pseudohypoparathyroidism type 1C (PHP1C). Also called: Pseudohypoparathyroidism Ic (PHP-Ic); PHP IC; PSEUDOHYPOPARATHYROIDISM, TYPE IC. Identifiers: Orphanet 79444, MedGen C2932716, MONDO:0012911, OMIM 612462.
Progressive osseous heteroplasia (POH). Also called: Osseus Heteroplasia, Progressive; Osteoma cutis; ECTOPIC OSSIFICATION, FAMILIAL; Progressive Osseus Heteroplasia (POH). Identifiers: Orphanet 2762, MedGen C0334041, MONDO:0008153, OMIM 166350, HP:0025027.
Pituitary adenoma 3, multiple types. Also called: PITUITARY ADENOMA 3, GROWTH HORMONE-SECRETING, SOMATIC; PITUITARY ADENOMA 3, ACTH-SECRETING, SOMATIC. Identifiers: MedGen C4540135, MONDO:0054665, OMIM 617686.
GNAS-related disorder. Identifiers: MedGen CN380105.

Allele frequency attached by ClinVar (database versions not stated): ExAC 0.00002; TOPMed 0.00002; gnomAD 0.00004; gnomAD exomes 0.00006; ESP Exome Variant Server 0.00015.
gnomAD v4.1: 96 of 1,613,752 alleles (0.0059%); highest among the groups gnomAD compares: Non-Finnish European, 0.0078%; no homozygotes.

Submissions (3):

Labcorp Genetics (formerly Invitae), Labcorp
Classification: Uncertain significance. Last evaluated: 2026-01-11. Review status: criteria provided, single submitter. Criteria: Invitae Variant Classification Sherloc (09022015). Collection method: clinical testing. Allele origin: germline.
Comment: This sequence change replaces proline, which is neutral and non-polar, with leucine, which is neutral and non-polar, at codon 77 of the GNAS protein (p.Pro77Leu). This variant is present in population databases (rs140388147, gnomAD 0.006%). This variant has not been reported in the literature in individuals affected with GNAS-related conditions. ClinVar contains an entry for this variant (Variation ID: 1952879). Invitae Evidence Modeling of protein sequence and biophysical properties (such as structural, functional, and spatial information, amino acid conservation, physicochemical variation, residue mobility, and thermodynamic stability) indicates that this missense variant is expected to disrupt GNAS protein function with a positive predictive value of 80%. In summary, the available evidence is currently insufficient to determine the role of this variant in disease. Therefore, it has been classified as a Variant of Uncertain Significance.

PreventionGenetics, part of Exact Sciences
Classification: Uncertain significance for GNAS-related condition. Last evaluated: 2025-07-18. Review status: criteria provided, single submitter. Criteria: ACMG Guidelines, 2015. Collection method: clinical testing. Allele origin: germline.
Comment: The GNAS c.230C>T variant is predicted to result in the amino acid substitution p.Pro77Leu. To our knowledge, this variant has not been reported in the literature. This variant is reported in 0.0062% of alleles in individuals of European (Non-Finnish) descent in gnomAD. At this time, the clinical significance of this variant is uncertain due to the absence of conclusive functional and genetic evidence.

Fulgent Genetics
Classification: Uncertain significance for Pseudohypoparathyroidism type I A; Progressive osseous heteroplasia; McCune-Albright syndrome; ACTH-independent macronodular adrenal hyperplasia 1; Pseudohypoparathyroidism type 1B; Pseudohypoparathyroidism type 1C; Pseudopseudohypoparathyroidism; Pituitary adenoma 3, multiple types. Last evaluated: 2024-05-17. Review status: criteria provided, single submitter. Criteria: ACMG Guidelines, 2015. Collection method: clinical testing. Allele origin: germline.

NM_000516.7(GNAS):c.230C>T (p.Pro77Leu)

Gene: GNAS (GNAS complex locus; plus strand). Cytogenetic location: 20q13.32.
Variant type: single nucleotide variant.
Coding change: c.230C>T on transcript NM_000516.7 (MANE Select); coding-DNA position 230, C replaced by T.
Protein change: p.Pro77Leu; replaces proline 77 with leucine.
Molecular consequence: missense variant. On other transcripts: 3 prime UTR variant (3), non-coding transcript variant (2), intron variant (2).
Genome position (GRCh38, 1-based): chr20:58,898,958, C>T. VCF-style: chr20-58898958-C-T. GRCh37 (hg19) VCF-style: chr20-57474013-C-T.
Other names: c.230C>T (NM_000516.5); c.230C>T, p.Pro77Leu (NM_001077488.5, NM_001309842.2); c.*91C>T (NM_001077490.3); c.53C>T, p.Pro18Leu (NM_001309840.2, NM_001309861.2); c.*249C>T (NM_001309883.1); c.134C>T, p.Pro45Leu (NM_001410912.1); c.*133C>T (NM_016592.5); c.2159C>T, p.Pro720Leu (NM_080425.4); and 1 more; short protein forms P77L, P18L, P720L, P45L.
Identifiers: ClinVar variation 1952879 (VCV001952879.10), dbSNP rs140388147, ClinGen allele CA9926942.
Genomic context (GRCh38, chr20:58,898,958, plus strand): 5'-GGTGCCTTGCAGATTAGGTGAGCTTTCAATCTCTCTTTAAAAGGGGCGGCGAAGAGGACC[C>T]GCAGGCTGCAAGGAGCAACAGCGATGGGTAGGCACATTCAAAACCAGAAAAAATTGTTAA-3'
Protein context (NP_000507.1, residues 67-87): GFNGEGGEED[Pro77Leu]QAARSNSDGE